The following is an entry in ClinVar:

NM_004260.4(RECQL4):c.1445G>T (p.Arg482Leu)

Gene: RECQL4 (RecQ like helicase 4; minus strand). Cytogenetic location: 8q24.3.
Variant type: single nucleotide variant.
Coding change: c.1445G>T on transcript NM_004260.4 (MANE Select); coding-DNA position 1445, G replaced by T.
Protein change: p.Arg482Leu; replaces arginine 482 with leucine.
Molecular consequence: missense variant.
Genome position (GRCh38, 1-based): chr8:144,515,188, C>A on the plus strand (G>T on the coding strand, the complement: RECQL4 is on the minus strand). VCF-style: chr8-144515188-C-A. GRCh37 (hg19) VCF-style: chr8-145740572-C-A.
Other names: c.1349G>T, p.Arg450Leu (NM_001413017.1, NM_001413020.1); c.1445G>T, p.Arg482Leu (NM_001413018.1, NM_001413019.1, NM_001413033.1 and 2 more transcripts); c.374G>T, p.Arg125Leu (NM_001413021.1, NM_001413022.1, NM_001413023.1 and 8 more transcripts); c.1316G>T, p.Arg439Leu (NM_001413025.1); c.308G>T, p.Arg103Leu (NM_001413027.1, NM_001413030.1, NM_001413031.1 and 2 more transcripts); c.1094G>T, p.Arg365Leu (NM_001413029.1); c.-23G>T (NM_001413043.1); c.1445G>T (NM_004260.3); short protein forms R103L, R450L, R125L, R482L, R365L, R439L.
Identifiers: ClinVar variation 2014180 (VCV002014180.5), dbSNP rs751616549, ClinGen allele CA372684744.

ClinVar aggregate classification (germline): Uncertain significance. Review status: criteria provided, multiple submitters, no conflicts (2 of 4 stars). 2 submissions from 2 submitters: Uncertain significance (2). Last evaluated 2025-11-01.

Conditions:
Baller-Gerold syndrome (BGS). Also called: CRANIOSYNOSTOSIS WITH RADIAL DEFECTS. Identifiers: Orphanet 1225, MedGen C0265308, MONDO:0009039, OMIM 218600.
Inborn genetic diseases. Identifiers: MedGen C0950123, MeSH D030342.

Submissions (2):

Ambry Genetics
Classification: Uncertain significance for Inborn genetic diseases. Last evaluated: 2025-11-01. Review status: criteria provided, single submitter. Criteria: Ambry Variant Classification Scheme 2023. Collection method: clinical testing. Allele origin: germline.
Comment: The p.R482L variant (also known as c.1445G>T), located in coding exon 8 of the RECQL4 gene, results from a G to T substitution at nucleotide position 1445. The arginine at codon 482 is replaced by leucine, an amino acid with dissimilar properties. This amino acid position is conserved. In addition, the in silico prediction for this alteration is inconclusive. Based on the available evidence, the clinical significance of this variant remains unclear.

Labcorp Genetics (formerly Invitae), Labcorp
Classification: Uncertain significance for Baller-Gerold syndrome. Last evaluated: 2022-07-05. Review status: criteria provided, single submitter. Criteria: Invitae Variant Classification Sherloc (09022015). Collection method: clinical testing. Allele origin: germline.
Comment: This variant has not been reported in the literature in individuals affected with RECQL4-related conditions. In summary, the available evidence is currently insufficient to determine the role of this variant in disease. Therefore, it has been classified as a Variant of Uncertain Significance. Experimental studies and prediction algorithms are not available or were not evaluated, and the functional significance of this variant is currently unknown. This variant is not present in population databases (gnomAD no frequency). This sequence change replaces arginine, which is basic and polar, with leucine, which is neutral and non-polar, at codon 482 of the RECQL4 protein (p.Arg482Leu).